The following is an entry in ClinVar:

NM_006947.4(SRP72):c.1668G>T (p.Lys556Asn)

Gene: SRP72 (signal recognition particle 72; plus strand). Cytogenetic location: 4q12.
Variant type: single nucleotide variant.
Coding change: c.1668G>T on transcript NM_006947.4 (MANE Select); coding-DNA position 1668, G replaced by T.
Protein change: p.Lys556Asn; replaces lysine 556 with asparagine.
Molecular consequence: missense variant. On other transcripts: non-coding transcript variant (1).
Genome position (GRCh38, 1-based): chr4:56,495,384, G>T. VCF-style: chr4-56495384-G-T. GRCh37 (hg19) VCF-style: chr4-57361550-G-T.
Other names: c.1485G>T, p.Lys495Asn (NM_001267722.2); short protein forms K556N, K495N.
Identifiers: ClinVar variation 3801479 (VCV003801479.1).

ClinVar aggregate classification (germline): Uncertain significance (1 of 4 stars; one submission).

gnomAD v4.1: 2 of 1,493,688 alleles (0.00013%); highest among the groups gnomAD compares: South Asian, 0.0023%; no homozygotes.

Submission:

Ambry Genetics
Classification: Uncertain significance. Last evaluated: 2025-02-06. Review status: criteria provided, single submitter. Criteria: Ambry Variant Classification Scheme 2023. Collection method: clinical testing. Allele origin: germline.
Comment: The p.K556N variant (also known as c.1668G>T), located in coding exon 17 of the SRP72 gene, results from a G to T substitution at nucleotide position 1668. The lysine at codon 556 is replaced by asparagine, an amino acid with similar properties. This amino acid position is conserved. In addition, this alteration is predicted to be tolerated by in silico analysis. Based on the available evidence, the clinical significance of this variant remains unclear.